The following is an entry in ClinVar:

ClinVar aggregate classification (germline): Benign. Review status: criteria provided, multiple submitters, no conflicts (2 of 4 stars). 2 submissions from 2 submitters: Benign (2). Last evaluated 2018-06-14.

Conditions:
Wolfram syndrome 1 (WFS1). Identifiers: Orphanet 3463, MedGen C4551693, MONDO:0009101, OMIM 222300.

Allele frequency attached by ClinVar (database versions not stated): gnomAD 0.58956; TOPMed 0.59765; 1000 Genomes Project 30x 0.65506; 1000 Genomes Project 0.65695.
gnomAD v4.1: 89,645 of 151,610 alleles (59%); highest among the groups gnomAD compares: East Asian, 93%; 27,334 homozygotes.

Submissions (2):

GeneDx
Classification: Benign. Last evaluated: 2018-06-14. Review status: criteria provided, single submitter. Criteria: GeneDx Variant Classification (06012015). Collection method: clinical testing. Allele origin: germline. Affected: yes.
Comment: This variant is considered likely benign or benign based on one or more of the following criteria: it is a conservative change, it occurs at a poorly conserved position in the protein, it is predicted to be benign by multiple in silico algorithms, and/or has population frequency not consistent with disease.

Clinical Genomics, Uppaluri K&H Personalized Medicine Clinic
Classification: Benign for Wolfram syndrome 1. Review status: criteria provided, single submitter. Criteria: K & H Uppaluri Personalized Medicine Clinic Variant Classification & Assertion Criteria_Updated V.1. Collection method: research. Allele origin: unknown. Inheritance: Autosomal recessive inheritance.
Comment: Potent mutations in WFS1 gene are associated with Wolfram's syndrome, an autosomal recessive condition, which cause diabetes mellitus, diabetes insipidus, deafness and optic atrophy.However no sufficient evidence is found to ascertain the role of this particular variant rs4688991 in Wolfram's syndrome yet.

Literature cited by the submitters: PubMed 20738327 (cited by Clinical Genomics, Uppaluri K&H Personalized Medicine Clinic); PubMed 33879153 (cited by Clinical Genomics, Uppaluri K&H Personalized Medicine Clinic); PubMed 12955714 (cited by Clinical Genomics, Uppaluri K&H Personalized Medicine Clinic); PubMed 18060660 (cited by Clinical Genomics, Uppaluri K&H Personalized Medicine Clinic); PubMed 20301750 (cited by Clinical Genomics, Uppaluri K&H Personalized Medicine Clinic); PubMed 17603484 (cited by Clinical Genomics, Uppaluri K&H Personalized Medicine Clinic).

NM_006005.3(WFS1):c.862-164C>G

Gene: WFS1 (wolframin ER transmembrane glycoprotein; plus strand). Cytogenetic location: 4p16.1.
Variant type: single nucleotide variant.
Coding change: c.862-164C>G on transcript NM_006005.3 (MANE Select); 164 bases into the intron before coding-DNA position 862, C replaced by G.
Molecular consequence: intron variant.
Genome position (GRCh38, 1-based): chr4:6,300,493, C>G. VCF-style: chr4-6300493-C-G. GRCh37 (hg19) VCF-style: chr4-6302220-C-G.
Other names: c.862-164C>G (NM_001145853.1).
Identifiers: ClinVar variation 670302 (VCV000670302.2), dbSNP rs4688991, ClinGen allele CA11634651.
Genomic context (GRCh38, chr4:6,300,493, plus strand): 5'-GGGGGCTCCAGGCCCAGAAGAGGGAGGGCTCACAGGGACCGCGAGCATGGGGAGGGCCAC[C>G]TGGAGAAGGGGGGAGGGAGGACCACTAGGATGGGGCTGGTGATGGGAAAACGCAAGGGTG-3'